The following is an entry in ClinVar:

NM_174934.4(SCN4B):c.62-95C>T

Genes: SCN4B (sodium voltage-gated channel beta subunit 4; minus strand), LOC130006838 (ATAC-STARR-seq lymphoblastoid active region 5583; plus strand). Cytogenetic location: 11q23.3.
Variant type: single nucleotide variant.
Coding change: c.62-95C>T on transcript NM_174934.4 (MANE Select); 95 bases into the intron before coding-DNA position 62, C replaced by T.
Molecular consequence: intron variant. On other transcripts: 5 prime UTR variant (1), non-coding transcript variant (1).
Genome position (GRCh38, 1-based): chr11:118,145,324, G>A on the plus strand (C>T on the coding strand, the complement: SCN4B is on the minus strand). VCF-style: chr11-118145324-G-A. GRCh37 (hg19) VCF-style: chr11-118016039-G-A.
Other names: c.-364C>T (NM_001142349.2); c.62-3988C>T (NM_001142348.2).
Identifiers: ClinVar variation 403418 (VCV000403418.7), dbSNP rs955917, ClinGen allele CA6300315.

ClinVar aggregate classification (germline): Benign. Review status: criteria provided, multiple submitters, no conflicts (2 of 4 stars). 3 submissions from 3 submitters: Benign (3). Last evaluated 2016-04-25.

Allele frequency attached by ClinVar (database versions not stated): 1000 Genomes Project 30x 0.13851; gnomAD 0.14925 and 0.15029; TOPMed 0.15168.
gnomAD v4.1: 258,757 of 1,578,992 alleles (16%); highest among the groups gnomAD compares: Middle Eastern, 26%; 21,716 homozygotes.

Submissions (3):

Laboratory for Molecular Medicine, Mass General Brigham Personalized Medicine
Classification: Benign. Last evaluated: 2016-04-25. Review status: criteria provided, single submitter. Criteria: LMM Criteria. Collection method: clinical testing. Allele origin: germline.
Comment: Variant identified in a genome or exome case(s) and assessed due to predicted null impact of the variant or pathogenic assertions in the literature or databases. Disclaimer: This variant has not undergone full assessment. The following are preliminary notes: Frequency in1000Genomes: 276/2178= 12.6%

GeneDx
Classification: Benign. Last evaluated: 2015-03-03. Review status: criteria provided, single submitter. Criteria: GeneDx Variant Classification Process June 2021. Collection method: clinical testing. Allele origin: germline. Affected: yes.

Breakthrough Genomics
Classification: Benign. Review status: criteria provided, single submitter. Criteria: ACMG Guidelines, 2015. Collection method: not provided. Allele origin: germline. Inheritance: Autosomal dominant inheritance. Affected: yes.